The following is an entry in ClinVar:

NM_030632.3(ASXL3):c.3830G>A (p.Cys1277Tyr)

Gene: ASXL3 (ASXL transcriptional regulator 3; plus strand). Cytogenetic location: 18q12.1.
Variant type: single nucleotide variant.
Coding change: c.3830G>A on transcript NM_030632.3 (MANE Select); coding-DNA position 3830, G replaced by A.
Protein change: p.Cys1277Tyr; replaces cysteine 1277 with tyrosine.
Molecular consequence: missense variant.
Genome position (GRCh38, 1-based): chr18:33,743,678, G>A. VCF-style: chr18-33743678-G-A. GRCh37 (hg19) VCF-style: chr18-31323642-G-A.
Other names: short protein forms C1277Y.
Identifiers: ClinVar variation 3772503 (VCV003772503.13).

ClinVar aggregate classification (germline): Uncertain significance (1 of 4 stars; one submission).

Submission:

CeGaT Center for Human Genetics Tuebingen
Classification: Uncertain significance. Last evaluated: 2025-02-01. Review status: criteria provided, single submitter. Criteria: CeGaT Center For Human Genetics Tuebingen Variant Classification Criteria Version 2. Collection method: clinical testing. Allele origin: germline. Affected: yes. Observed: 1 variant allele.
Comment: ASXL3: PM2